The following is an entry in ClinVar:

NM_000138.5(FBN1):c.3649G>A (p.Gly1217Ser)

Gene: FBN1 (fibrillin 1; minus strand). Cytogenetic location: 15q21.1.
Variant type: single nucleotide variant.
Coding change: c.3649G>A on transcript NM_000138.5 (MANE Select); coding-DNA position 3649, G replaced by A.
Protein change: p.Gly1217Ser; replaces glycine 1217 with serine.
Molecular consequence: missense variant.
Genome position (GRCh38, 1-based): chr15:48,485,437, C>T on the plus strand (G>A on the coding strand, the complement: FBN1 is on the minus strand). VCF-style: chr15-48485437-C-T. GRCh37 (hg19) VCF-style: chr15-48777634-C-T.
Other names: c.3649G>A, p.Gly1217Ser (NM_001406716.1); short protein forms G1217S.
Identifiers: ClinVar variation 4758614 (VCV004758614.2).

ClinVar aggregate classification (germline): Uncertain significance. Review status: criteria provided, multiple submitters, no conflicts (2 of 4 stars). 2 submissions from 2 submitters: Uncertain significance (2). Last evaluated 2025-09-02.

Conditions:
Familial thoracic aortic aneurysm and aortic dissection (TAAD). Also called: Thoracic aortic aneurysms and dissections. Identifiers: Orphanet 91387, MedGen C4707243, MONDO:0019625.
Marfan syndrome (MFS). Also called: FBN1-Related Marfan Syndrome; MARFAN SYNDROME, TYPE I; Marfan syndrome type 1; Marfan's syndrome; Marfan syndrome, classic. Identifiers: Orphanet 284963, Orphanet 558, MedGen C0024796, MONDO:0007947, OMIM 154700.

gnomAD v4.1: 2 of 1,614,184 alleles (0.00012%); highest among the groups gnomAD compares: Non-Finnish European, 0.00017%; no homozygotes.

Submissions (2):

Labcorp Genetics (formerly Invitae), Labcorp
Classification: Uncertain significance for Marfan syndrome; Familial thoracic aortic aneurysm and aortic dissection. Last evaluated: 2025-09-02. Review status: criteria provided, single submitter. Criteria: Invitae Variant Classification Sherloc (09022015). Collection method: clinical testing. Allele origin: germline.
Comment: This sequence change replaces glycine, which is neutral and non-polar, with serine, which is neutral and polar, at codon 1217 of the FBN1 protein (p.Gly1217Ser). This variant is not present in population databases (gnomAD no frequency). This variant has not been reported in the literature in individuals affected with FBN1-related conditions. Invitae Evidence Modeling of protein sequence and biophysical properties (such as structural, functional, and spatial information, amino acid conservation, physicochemical variation, residue mobility, and thermodynamic stability) indicates that this missense variant is expected to disrupt FBN1 protein function with a positive predictive value of 95%. In summary, the available evidence is currently insufficient to determine the role of this variant in disease. Therefore, it has been classified as a Variant of Uncertain Significance.

Color Diagnostics, LLC DBA Color Health
Classification: Uncertain significance for Familial thoracic aortic aneurysm and aortic dissection. Last evaluated: 2025-07-17. Review status: criteria provided, single submitter. Criteria: ACMG Guidelines, 2015. Collection method: clinical testing. Allele origin: germline.
Comment: This missense variant replaces glycine with serine at codon 1217 of the FBN1 protein. Computational prediction suggests that this variant may have deleterious impact on protein structure and function. To our knowledge, functional studies have not been reported for this variant. This variant has not been reported in individuals affected with FBN1-related disorders in the literature. This variant has not been identified in the general population by the Genome Aggregation Database (gnomAD). The available evidence is insufficient to determine the role of this variant in disease conclusively. Therefore, this variant is classified as a Variant of Uncertain Significance.